The following is an entry in ClinVar:

ClinVar aggregate classification (germline): Uncertain significance. Review status: criteria provided, multiple submitters, no conflicts (2 of 4 stars). 4 submissions from 4 submitters: Uncertain significance (4). Last evaluated 2026-02-15.

Conditions:
Marfan syndrome (MFS). Also called: Marfan syndrome type 1; Marfan's syndrome; Marfan syndrome, classic; MARFAN SYNDROME, TYPE I; FBN1-Related Marfan Syndrome. Identifiers: Orphanet 284963, Orphanet 558, MedGen C0024796, MONDO:0007947, OMIM 154700.
Familial thoracic aortic aneurysm and aortic dissection (TAAD). Also called: Thoracic aortic aneurysms and dissections. Identifiers: Orphanet 91387, MedGen C4707243, MONDO:0019625.

Allele frequency attached by ClinVar (database versions not stated): gnomAD exomes below 0.00001; TOPMed 0.00001; gnomAD 0.00001.
gnomAD v4.1: 3 of 1,614,022 alleles (0.00019%); highest among the groups gnomAD compares: Admixed American, 0.0033%; no homozygotes.

Submissions (4):

Ambry Genetics
Classification: Uncertain significance for Familial thoracic aortic aneurysm and aortic dissection. Last evaluated: 2026-02-15. Review status: criteria provided, single submitter. Criteria: Ambry Variant Classification Scheme 2023. Collection method: clinical testing. Allele origin: germline.
Comment: The p.I329M variant (also known as c.987A>G), located in coding exon 8 of the FBN1 gene, results from an A to G substitution at nucleotide position 987. The isoleucine at codon 329 is replaced by methionine, an amino acid with highly similar properties. This amino acid position is conserved. In addition, this alteration is predicted to be tolerated by in silico analysis. Based on the available evidence, the clinical significance of this variant remains unclear.

Labcorp Genetics (formerly Invitae), Labcorp
Classification: Uncertain significance for Marfan syndrome; Familial thoracic aortic aneurysm and aortic dissection. Last evaluated: 2023-12-19. Review status: criteria provided, single submitter. Criteria: Invitae Variant Classification Sherloc (09022015). Collection method: clinical testing. Allele origin: germline.
Comment: This sequence change replaces isoleucine, which is neutral and non-polar, with methionine, which is neutral and non-polar, at codon 329 of the FBN1 protein (p.Ile329Met). This variant is present in population databases (no rsID available, gnomAD 0.006%). This variant has not been reported in the literature in individuals affected with FBN1-related conditions. ClinVar contains an entry for this variant (Variation ID: 1172366). An algorithm developed to predict the effect of missense changes on protein structure and function (PolyPhen-2) suggests that this variant is likely to be tolerated. In summary, the available evidence is currently insufficient to determine the role of this variant in disease. Therefore, it has been classified as a Variant of Uncertain Significance.

All of Us Research Program, National Institutes of Health
Classification: Uncertain significance for Marfan syndrome. Last evaluated: 2023-08-14. Review status: criteria provided, single submitter. Criteria: ACMG Guidelines, 2015. Collection method: clinical testing. Allele origin: germline. Inheritance: Autosomal dominant inheritance. Observed: 1 variant allele, 1 heterozygote.
Comment: This missense variant replaces isoleucine with methionine at codon 329 of the FBN1 protein. Computational prediction suggests that this variant may not impact protein structure and function (internally defined REVEL score threshold <= 0.5, PMID: 27666373). To our knowledge, functional studies have not been reported for this variant. This variant has not been reported in individuals affected with cardiovascular disorders in the literature. This variant has been identified in 2/282812 chromosomes in the general population by the Genome Aggregation Database (gnomAD). The available evidence is insufficient to determine the role of this variant in disease conclusively. Therefore, this variant is classified as a Variant of Uncertain Significance.

This study involves interpretation of variants in research participants for the purpose of population health screening. Participant phenotype was not available at the time of variant classification. Additional details can be found in publication PMID: 35346344, PMCID: PMC8962531

Color Diagnostics, LLC DBA Color Health
Classification: Uncertain significance for Familial thoracic aortic aneurysm and aortic dissection. Last evaluated: 2020-08-18. Review status: criteria provided, single submitter. Criteria: ACMG Guidelines, 2015. Collection method: clinical testing. Allele origin: germline.
Comment: This missense variant replaces isoleucine with methionine at codon 329 of the FBN1 protein. Computational prediction suggests that this variant may not impact protein structure and function (internally defined REVEL score threshold <= 0.5, PMID: 27666373). To our knowledge, functional studies have not been reported for this variant. This variant has not been reported in individuals affected with cardiovascular disorders in the literature. This variant has been identified in 2/282812 chromosomes in the general population by the Genome Aggregation Database (gnomAD). The available evidence is insufficient to determine the role of this variant in disease conclusively. Therefore, this variant is classified as a Variant of Uncertain Significance.

NM_000138.5(FBN1):c.987A>G (p.Ile329Met)

Gene: FBN1 (fibrillin 1; minus strand). Cytogenetic location: 15q21.1.
Variant type: single nucleotide variant.
Coding change: c.987A>G on transcript NM_000138.5 (MANE Select); coding-DNA position 987, A replaced by G.
Protein change: p.Ile329Met; replaces isoleucine 329 with methionine.
Molecular consequence: missense variant.
Genome position (GRCh38, 1-based): chr15:48,526,131, T>C on the plus strand (A>G on the coding strand, the complement: FBN1 is on the minus strand). VCF-style: chr15-48526131-T-C. GRCh37 (hg19) VCF-style: chr15-48818328-T-C.
Other names: short protein forms I329M.
Identifiers: ClinVar variation 1172366 (VCV001172366.9), dbSNP rs1289726476, ClinGen allele CA392349457.